The following is an entry in ClinVar:

NM_000202.8(IDS):c.1504T>G (p.Trp502Gly)

Gene: IDS (iduronate 2-sulfatase; minus strand). Cytogenetic location: Xq28.
Variant type: single nucleotide variant.
Coding change: c.1504T>G on transcript NM_000202.8 (MANE Select); coding-DNA position 1504, T replaced by G.
Protein change: p.Trp502Gly; replaces tryptophan 502 with glycine.
Molecular consequence: missense variant.
Genome position (GRCh38, 1-based): chrX:149,482,895, A>C on the plus strand (T>G on the coding strand, the complement: IDS is on the minus strand). VCF-style: chrX-149482895-A-C. GRCh37 (hg19) VCF-style: chrX-148564426-A-C.
Other names: c.1234T>G, p.Trp412Gly (NM_001166550.4); short protein forms W412G, W502G.
Identifiers: ClinVar variation 977228 (VCV000977228.5), dbSNP rs2089304297, ClinGen allele CA414517948.

ClinVar aggregate classification (germline): Pathogenic/Likely pathogenic. Review status: criteria provided, multiple submitters, no conflicts (2 of 4 stars). 2 submissions from 2 submitters: Pathogenic (1); Likely pathogenic (1). Last evaluated 2024-06-07.

Conditions:
Mucopolysaccharidosis, MPS-II (MPS2). Also called: Attenuated MPS (subtype; formerly known as mild MPS II); Severe MPS II; I2S deficiency; MPS 2; IDS deficiency; Sulfoiduronate sulfatase deficiency. Identifiers: Orphanet 580, Orphanet 79388, MedGen C0026705, MONDO:0010674, OMIM 309900.

Submissions (2):

Laboratory of Diagnosis and Therapy of Lysosomal Disorders, University of Padova
Classification: Pathogenic for Mucopolysaccharidosis, MPS-II. Last evaluated: 2024-06-07. Review status: criteria provided, single submitter. Criteria: ACMG Guidelines, 2015. Collection method: literature only. Allele origin: germline. Affected: yes. Observed: 5 variant alleles.
Comment: Absent from controls (or at low frequency) in gnomAD database (PM2_Moderate), Cosegregation with disease in multiple affected family members (PP1_Moderate), Missense variant in a gene with a low rate of benign missense variation (PP2_Supporting), Multiple lines of computational evidence support a deleterious effect (PP3_Supporting), Patient’s phenotype or family history highly specific for the disease (PP4_Strong)

Classification method: ACMG Guidelines [PMID:25741868] with modifications

Greenwood Genetic Center Diagnostic Laboratories, Greenwood Genetic Center
Classification: Likely pathogenic for Mucopolysaccharidosis, MPS-II. Last evaluated: 2011-08-31. Review status: criteria provided, single submitter. Criteria: ACMG Guidelines, 2015. Collection method: clinical testing. Allele origin: maternal. Inheritance: X-linked inheritance. Affected: yes. Observed: 1 hemizygote.

Literature cited by the submitters: PubMed 35242576 (cited by Laboratory of Diagnosis and Therapy of Lysosomal Disorders, University of Padova); PubMed 35225932 (cited by Laboratory of Diagnosis and Therapy of Lysosomal Disorders, University of Padova); PubMed 22976768 (cited by Laboratory of Diagnosis and Therapy of Lysosomal Disorders, University of Padova and Greenwood Genetic Center Diagnostic Laboratories, Greenwood Genetic Center).